The following is an entry in ClinVar:

NM_004304.5(ALK):c.1386C>T (p.Ala462=)

Gene: ALK (ALK receptor tyrosine kinase; minus strand). Cytogenetic location: 2p23.2.
Variant type: single nucleotide variant.
Coding change: c.1386C>T on transcript NM_004304.5 (MANE Select); coding-DNA position 1386, C replaced by T.
Protein change: p.Ala462=; no amino-acid change (alanine 462 retained).
Molecular consequence: synonymous variant.
Genome position (GRCh38, 1-based): chr2:29,328,378, G>A on the plus strand (C>T on the coding strand, the complement: ALK is on the minus strand). VCF-style: chr2-29328378-G-A. GRCh37 (hg19) VCF-style: chr2-29551244-G-A.
Other names: c.1386C>T (NM_004304.4).
Identifiers: ClinVar variation 1133494 (VCV001133494.10), dbSNP rs2148258238, ClinGen allele CA425436025.
Genomic context (GRCh38, chr2:29,328,378, plus strand): 5'-TCAGGCAGGGTGGGGCAGCCCCATCTACTCACGGCACATCTGGCTCTCATCTTCTCCCTG[G>A]GCACAGTCCTGGTGGAAGTCACAGGCCTGCCCAAGCTGGAGGACTGTCCCATTCCAACAA-3'
Protein context (NP_004295.2, residues 452-472): GQACDFHQDC[Ala462=]QGEDESQMCR

ClinVar aggregate classification (germline): Conflicting classifications of pathogenicity. Review status: criteria provided, conflicting classifications (1 of 4 stars). 2 submissions from 2 submitters: Uncertain significance (1); Likely benign (1). Last evaluated 2025-03-14.

Conditions:
Hereditary cancer-predisposing syndrome. Also called: Neoplastic Syndromes, Hereditary; Hereditary neoplastic syndrome; Tumor predisposition; Hereditary Cancer Syndrome. Identifiers: Orphanet 140162, MedGen C0027672, MeSH D009386, MONDO:0015356.
Neuroblastoma, susceptibility to, 3. Also called: ALK-Related Neuroblastic Tumor Susceptibility. Identifiers: Orphanet 635, MedGen C2751681, MONDO:0013083, OMIM 613014.

gnomAD v4.1: 1 of 1,614,122 alleles (0.000062%); highest among the groups gnomAD compares: Non-Finnish European, 0.000085%; no homozygotes.

Submissions (2):

Ambry Genetics
Classification: Uncertain significance for Hereditary cancer-predisposing syndrome. Last evaluated: 2025-03-14. Review status: criteria provided, single submitter. Criteria: Ambry Variant Classification Scheme 2023. Collection method: clinical testing. Allele origin: germline.
Comment: The c.1386C>T variant (also known as p.A462A), located in coding exon 6 of the ALK gene, results from a C to T substitution at nucleotide position 1386. This nucleotide substitution does not change the alanine at codon 462. This nucleotide position is well conserved in available vertebrate species. In silico splice site analysis for this alteration is inconclusive. Based on the available evidence, the clinical significance of this variant remains unclear.

Labcorp Genetics (formerly Invitae), Labcorp
Classification: Likely benign for Neuroblastoma, susceptibility to, 3. Last evaluated: 2024-07-08. Review status: criteria provided, single submitter. Criteria: Invitae Variant Classification Sherloc (09022015). Collection method: clinical testing. Allele origin: germline.